The following is an entry in ClinVar:

NM_033305.3(VPS13A):c.5574+1G>A

Gene: VPS13A (vacuolar protein sorting 13 homolog A; plus strand). Cytogenetic location: 9q21.2.
Variant type: single nucleotide variant.
Coding change: c.5574+1G>A on transcript NM_033305.3 (MANE Select); the canonical splice donor site of the intron after coding-DNA position 5574, G replaced by A.
Molecular consequence: splice donor variant.
Genome position (GRCh38, 1-based): chr9:77,321,328, G>A. VCF-style: chr9-77321328-G-A. GRCh37 (hg19) VCF-style: chr9-79936244-G-A.
Other names: c.5457+1G>A (NM_001018037.2); c.5574+1G>A (NM_015186.4, NM_001018038.3).
Identifiers: ClinVar variation 936073 (VCV000936073.11), dbSNP rs1829731758, ClinGen allele CA373862939.

ClinVar aggregate classification (germline): Likely pathogenic. Review status: criteria provided, multiple submitters, no conflicts (2 of 4 stars). 3 submissions from 3 submitters: Likely pathogenic (2). 1 of the submissions does not count toward it. Last evaluated 2024-11-04.

Conditions:
VPS13A-related neurodegenerative disease. Also called: Chorea-acanthocytosis; LEVINE-CRITCHLEY SYNDROME; VPS13A Disease; Choreaacanthocytosis; Choreoacanthocytosis; ACANTHOCYTOSIS WITH NEUROLOGIC DISORDER. Identifiers: Orphanet 2388, MedGen C0393576, MONDO:0008695, OMIM 200150.

Allele frequency attached by ClinVar (database versions not stated): gnomAD exomes below 0.00001.
gnomAD v4.1: 2 of 1,603,246 alleles (0.00012%); highest among the groups gnomAD compares: Non-Finnish European, 0.00017%; no homozygotes.

Submissions (3):

Dasa
Classification: Likely pathogenic. Last evaluated: 2024-11-04. Review status: criteria provided, single submitter. Criteria: DASA Assertion Criteria. Collection method: clinical testing. Allele origin: germline.
Comment: NM_033305.3(VPS13A):c.5574+1G>A affects a canonical splice site and is predicted to disrupt normal RNA splicing. Loss of function is an established disease mechanism for VPS13A-associated disorders. This variant has been observed in affected individuals with VPS13A-related disorders. Also, this variant is rare in population databases. Based on the currently available evidence, this variant is classified as likely pathogenic.

Labcorp Genetics (formerly Invitae), Labcorp
Classification: Likely pathogenic. Last evaluated: 2024-10-15. Review status: criteria provided, single submitter. Criteria: Invitae Variant Classification Sherloc (09022015). Collection method: clinical testing. Allele origin: germline.
Comment: This sequence change affects a donor splice site in intron 43 of the VPS13A gene. It is expected to disrupt RNA splicing. Variants that disrupt the donor or acceptor splice site typically lead to a loss of protein function (PMID: 16199547), and loss-of-function variants in VPS13A are known to be pathogenic (PMID: 12404112, 21598378). This variant is not present in population databases (gnomAD no frequency). This variant has not been reported in the literature in individuals affected with VPS13A-related conditions. ClinVar contains an entry for this variant (Variation ID: 936073). Algorithms developed to predict the effect of sequence changes on RNA splicing suggest that this variant may disrupt the consensus splice site. In summary, the currently available evidence indicates that the variant is pathogenic, but additional data are needed to prove that conclusively. Therefore, this variant has been classified as Likely Pathogenic.

Natera, Inc.
Classification: Likely pathogenic for Choreaacanthocytosis. Last evaluated: 2021-06-03. Review status: no assertion criteria provided. Collection method: clinical testing. Allele origin: germline. Not counted in ClinVar's aggregate classification.

Literature cited by the submitters: PubMed 16199547 (cited by Labcorp Genetics (formerly Invitae), Labcorp); PubMed 12404112 (cited by Labcorp Genetics (formerly Invitae), Labcorp); PubMed 21598378 (cited by Labcorp Genetics (formerly Invitae), Labcorp).